The following is an entry in ClinVar:

ClinVar aggregate classification (germline): Uncertain significance. Review status: criteria provided, multiple submitters, no conflicts (2 of 4 stars). 3 submissions from 3 submitters: Uncertain significance (3). Last evaluated 2026-06-07.

Conditions:
MYH7B-related disorder. Also called: MYH7B-related condition.

Allele frequency attached by ClinVar (database versions not stated): TOPMed 0.00004; gnomAD 0.00005; ExAC 0.00014.
gnomAD v4.1: 64 of 1,580,618 alleles (0.004%); highest among the groups gnomAD compares: Non-Finnish European, 0.0048%; no homozygotes.

Submissions (3):

PreventionGenetics, part of Exact Sciences
Classification: Uncertain significance for MYH7B-related condition. Last evaluated: 2026-06-07. Review status: criteria provided, single submitter. Criteria: ACMG Guidelines, 2015. Collection method: clinical testing. Allele origin: germline.
Comment: The MYH7B c.4570C>T variant is predicted to result in the amino acid substitution p.Arg1524Cys. To our knowledge, this variant has not been reported in the literature. This variant is reported in 0.0072% of alleles in individuals of European (Non-Finnish) descent in gnomAD. At this time, the clinical significance of this variant is uncertain due to the absence of conclusive functional and genetic evidence.

Labcorp Genetics (formerly Invitae), Labcorp
Classification: Uncertain significance. Last evaluated: 2026-01-05. Review status: criteria provided, single submitter. Criteria: Invitae Variant Classification Sherloc (09022015). Collection method: clinical testing. Allele origin: germline.
Comment: This sequence change replaces arginine, which is basic and polar, with cysteine, which is neutral and slightly polar, at codon 1524 of the MYH7B protein (p.Arg1524Cys). This variant is present in population databases (rs753546181, gnomAD 0.009%). This variant has not been reported in the literature in individuals affected with MYH7B-related conditions. ClinVar contains an entry for this variant (Variation ID: 2508861). Invitae Evidence Modeling of protein sequence and biophysical properties (such as structural, functional, and spatial information, amino acid conservation, physicochemical variation, residue mobility, and thermodynamic stability) indicates that this missense variant is expected to disrupt MYH7B protein function with a positive predictive value of 80%. In summary, the available evidence is currently insufficient to determine the role of this variant in disease. Therefore, it has been classified as a Variant of Uncertain Significance.

Ambry Genetics
Classification: Uncertain significance. Last evaluated: 2025-08-25. Review status: criteria provided, single submitter. Criteria: Ambry Variant Classification Scheme 2023. Collection method: clinical testing. Allele origin: germline.

NM_020884.7(MYH7B):c.4444C>T (p.Arg1482Cys)

Gene: MYH7B (myosin heavy chain 7B; plus strand). Cytogenetic location: 20q11.22.
Variant type: single nucleotide variant.
Coding change: c.4444C>T on transcript NM_020884.7 (MANE Select); coding-DNA position 4444, C replaced by T.
Protein change: p.Arg1482Cys; replaces arginine 1482 with cysteine.
Molecular consequence: missense variant.
Genome position (GRCh38, 1-based): chr20:34,999,309, C>T. VCF-style: chr20-34999309-C-T. GRCh37 (hg19) VCF-style: chr20-33587112-C-T.
Other names: c.4570C>T (NM_020884.4); short protein forms R1482C.
Identifiers: ClinVar variation 2508861 (VCV002508861.6), dbSNP rs753546181, ClinGen allele CA9828107.